The following is an entry in ClinVar:

ClinVar aggregate classification (germline): Uncertain significance. Review status: criteria provided, multiple submitters, no conflicts (2 of 4 stars). 2 submissions from 2 submitters: Uncertain significance (2). Last evaluated 2025-01-22.

gnomAD v4.1: 27 of 1,613,292 alleles (0.0017%); highest among the groups gnomAD compares: Admixed American, 0.022%; no homozygotes.

Submissions (2):

Ambry Genetics
Classification: Uncertain significance. Last evaluated: 2025-01-22. Review status: criteria provided, single submitter. Criteria: Ambry Variant Classification Scheme 2023. Collection method: clinical testing. Allele origin: germline.

Labcorp Genetics (formerly Invitae), Labcorp
Classification: Uncertain significance. Last evaluated: 2024-12-10. Review status: criteria provided, single submitter. Criteria: Invitae Variant Classification Sherloc (09022015). Collection method: clinical testing. Allele origin: germline.
Comment: This sequence change replaces arginine, which is basic and polar, with tryptophan, which is neutral and slightly polar, at codon 297 of the FCHO1 protein (p.Arg297Trp). This variant is present in population databases (rs767803812, gnomAD 0.01%). This variant has not been reported in the literature in individuals affected with FCHO1-related conditions. An algorithm developed to predict the effect of missense changes on protein structure and function (PolyPhen-2) suggests that this variant is likely to be disruptive. In summary, the available evidence is currently insufficient to determine the role of this variant in disease. Therefore, it has been classified as a Variant of Uncertain Significance.

NM_015122.3(FCHO1):c.889C>T (p.Arg297Trp)

Gene: FCHO1 (FCH and mu domain containing endocytic adaptor 1; plus strand). Cytogenetic location: 19p13.11.
Variant type: single nucleotide variant.
Coding change: c.889C>T on transcript NM_015122.3 (MANE Select); coding-DNA position 889, C replaced by T.
Protein change: p.Arg297Trp; replaces arginine 297 with tryptophan.
Molecular consequence: missense variant. On other transcripts: non-coding transcript variant (36).
Genome position (GRCh38, 1-based): chr19:17,774,447, C>T. VCF-style: chr19-17774447-C-T. GRCh37 (hg19) VCF-style: chr19-17885256-C-T.
Other names: c.889C>T, p.Arg297Trp (NM_001384391.1, NM_001384392.1, NM_001384393.1 and 25 more transcripts); c.889C>T (NM_001161357.1); c.739C>T, p.Arg247Trp (NM_001161359.2, NM_001384406.1, NM_001384407.1 and 3 more transcripts); c.844C>T, p.Arg282Trp (NM_001384403.1); c.850C>T, p.Arg284Trp (NM_001384405.1, NM_001384388.1, NM_001384389.1); c.814C>T, p.Arg272Trp (NM_001384390.1); short protein forms R247W, R297W, R272W, R282W, R284W.
Identifiers: ClinVar variation 3704203 (VCV003704203.3).